The following is an entry in ClinVar:

NM_032043.3(BRIP1):c.245T>A (p.Val82Glu)

Gene: BRIP1 (BRCA1 interacting DNA helicase 1; minus strand). Cytogenetic location: 17q23.2.
Variant type: single nucleotide variant.
Coding change: c.245T>A on transcript NM_032043.3 (MANE Select); coding-DNA position 245, T replaced by A.
Protein change: p.Val82Glu; replaces valine 82 with glutamic acid.
Molecular consequence: missense variant.
Genome position (GRCh38, 1-based): chr17:61,857,192, A>T on the plus strand (T>A on the coding strand, the complement: BRIP1 is on the minus strand). VCF-style: chr17-61857192-A-T. GRCh37 (hg19) VCF-style: chr17-59934553-A-T.
Other names: short protein forms V82E.
Identifiers: ClinVar variation 232168 (VCV000232168.17), dbSNP rs876659594, ClinGen allele CA10580889.

ClinVar aggregate classification (germline): Uncertain significance. Review status: criteria provided, multiple submitters, no conflicts (2 of 4 stars). 2 submissions from 2 submitters: Uncertain significance (2). Last evaluated 2025-12-08.

Conditions:
Fanconi anemia complementation group J. Also called: BRIP1-Related Fanconi Anemia. Identifiers: Orphanet 84, MedGen C1836860, MONDO:0012187, OMIM 609054.
Familial cancer of breast. Also called: Hereditary breast cancer; hereditary breast carcinoma; BREAST CANCER, FAMILIAL. Identifiers: Orphanet 227535, MedGen C0346153, MONDO:0016419, OMIM 114480. Disease mechanism: loss of function.
Hereditary cancer-predisposing syndrome. Also called: Hereditary Cancer Syndrome; Neoplastic Syndromes, Hereditary; Tumor predisposition; Hereditary neoplastic syndrome. Identifiers: Orphanet 140162, MedGen C0027672, MeSH D009386, MONDO:0015356.

Allele frequency attached by ClinVar (database versions not stated): TOPMed below 0.00001.

Submissions (2):

Labcorp Genetics (formerly Invitae), Labcorp
Classification: Uncertain significance for Familial cancer of breast; Fanconi anemia complementation group J. Last evaluated: 2025-12-08. Review status: criteria provided, single submitter. Criteria: Invitae Variant Classification Sherloc (09022015). Collection method: clinical testing. Allele origin: germline.
Comment: This sequence change replaces valine, which is neutral and non-polar, with glutamic acid, which is acidic and polar, at codon 82 of the BRIP1 protein (p.Val82Glu). This variant is not present in population databases (gnomAD no frequency). This variant has not been reported in the literature in individuals affected with BRIP1-related conditions. ClinVar contains an entry for this variant (Variation ID: 232168). Invitae Evidence Modeling of protein sequence and biophysical properties (such as structural, functional, and spatial information, amino acid conservation, physicochemical variation, residue mobility, and thermodynamic stability) indicates that this missense variant is not expected to disrupt BRIP1 protein function with a negative predictive value of 95%. In summary, the available evidence is currently insufficient to determine the role of this variant in disease. Therefore, it has been classified as a Variant of Uncertain Significance.

Ambry Genetics
Classification: Uncertain significance for Hereditary cancer-predisposing syndrome. Last evaluated: 2025-05-05. Review status: criteria provided, single submitter. Criteria: Ambry Variant Classification Scheme 2023. Collection method: clinical testing. Allele origin: germline.
Comment: The p.V82E variant (also known as c.245T>A), located in coding exon 3 of the BRIP1 gene, results from a T to A substitution at nucleotide position 245. The valine at codon 82 is replaced by glutamic acid, an amino acid with dissimilar properties. This amino acid position is not well conserved in available vertebrate species. In addition, this alteration is predicted to be tolerated by in silico analysis. Since supporting evidence is limited at this time, the clinical significance of this alteration remains unclear.